The following is an entry in ClinVar:

ClinVar aggregate classification (germline): Conflicting classifications of pathogenicity. Review status: criteria provided, conflicting classifications (1 of 4 stars). 2 submissions from 2 submitters: Uncertain significance (1); Likely benign (1). Last evaluated 2022-04-13.

Conditions:
Autosomal recessive polycystic kidney disease (ARPKD). Also called: AR polycystic kidney disease. Identifiers: Orphanet 731, Orphanet 8378, MedGen C0085548, MeSH D017044, MONDO:0009889.

Submissions (2):

Labcorp Genetics (formerly Invitae), Labcorp
Classification: Likely benign for Autosomal recessive polycystic kidney disease. Last evaluated: 2022-04-13. Review status: criteria provided, single submitter. Criteria: Invitae Variant Classification Sherloc (09022015). Collection method: clinical testing. Allele origin: germline.

Center for Pediatric Genomic Medicine, Children's Mercy Hospital and Clinics
Classification: Uncertain significance. Last evaluated: 2015-12-14. Review status: criteria provided, single submitter. Criteria: ACMG Guidelines, 2015. Collection method: clinical testing. Allele origin: germline.
ClinVar note: Converted during submission from Uncertain Significance to Uncertain significance.

NM_138694.4(PKHD1):c.6462T>G (p.Val2154=)

Gene: PKHD1 (PKHD1 ciliary IPT domain containing fibrocystin/polyductin; minus strand). Cytogenetic location: 6p12.2.
Variant type: single nucleotide variant.
Coding change: c.6462T>G on transcript NM_138694.4 (MANE Select); coding-DNA position 6462, T replaced by G.
Protein change: p.Val2154=; no amino-acid change (valine 2154 retained).
Molecular consequence: synonymous variant.
Genome position (GRCh38, 1-based): chr6:51,911,827, A>C on the plus strand (T>G on the coding strand, the complement: PKHD1 is on the minus strand). VCF-style: chr6-51911827-A-C. GRCh37 (hg19) VCF-style: chr6-51776625-A-C.
Other names: c.6462T>G, p.Val2154= (NM_170724.3).
Identifiers: ClinVar variation 235277 (VCV000235277.8), dbSNP rs878852998, ClinGen allele CA10581262.
Genomic context (GRCh38, chr6:51,911,827, plus strand): 5'-TCATTAGACTTTCCAACAAAACACTCTTCTACCTTCTGGAGCATTGGCCTCCTGGCATGA[A>C]ACAAGCAGCTTCTCCCTCTCATTAGTGAGATTTCCTTGTATGGTAATACTCCTGCTGAGC-3'
Protein context (NP_619639.3, residues 2144-2164): NLTNEREKLL[Val2154=]SCQEANAPEG